The following is an entry in ClinVar:

ClinVar aggregate classification (germline): Pathogenic (1 of 4 stars; one submission).

Conditions:
Hereditary cancer-predisposing syndrome. Also called: Neoplastic Syndromes, Hereditary; Tumor predisposition; Hereditary neoplastic syndrome; Hereditary Cancer Syndrome. Identifiers: Orphanet 140162, MedGen C0027672, MeSH D009386, MONDO:0015356.

Submission:

Ambry Genetics
Classification: Pathogenic for Hereditary cancer-predisposing syndrome. Last evaluated: 2023-12-07. Review status: criteria provided, single submitter. Criteria: Ambry Variant Classification Scheme 2023. Collection method: clinical testing. Allele origin: germline.
Comment: The c.1731_1747del17 pathogenic mutation, located in coding exon 11 of the BRIP1 gene, results from a deletion of 17 nucleotides at nucleotide positions 1731 to 1747, causing a translational frameshift with a predicted alternate stop codon (p.K578Nfs*21). This variant is considered to be rare based on population cohorts in the Genome Aggregation Database (gnomAD). This alteration is expected to result in loss of function by premature protein truncation or nonsense-mediated mRNA decay. As such, this alteration is interpreted as a disease-causing mutation.

NM_032043.3(BRIP1):c.1731_1747del (p.Lys578fs)

Gene: BRIP1 (BRCA1 interacting DNA helicase 1; minus strand). Cytogenetic location: 17q23.2.
Variant type: Deletion.
Coding change: c.1731_1747del on transcript NM_032043.3 (MANE Select); coding-DNA positions 1731 to 1747, 17 bases deleted (GAAACGTTCACGACAGA).
Protein change: p.Lys578fs; shifts the reading frame from lysine 578.
Molecular consequence: frameshift variant.
Genome position (GRCh38, 1-based): chr17:61,780,887-61,780,903, TCTGTCGTGAACGTTTC deleted on the plus strand (GAAACGTTCACGACAGA on the coding strand, the reverse complement: BRIP1 is on the minus strand); deleting any 17 consecutive bases within chr17:61,780,887-61,780,904 gives the same sequence; the c. name uses the placement nearest the transcript's 3' end. VCF-style (leftmost placement, unchanged base first): chr17-61780886-TTCTGTCGTGAACGTTTC-T. GRCh37 (hg19) VCF-style: chr17-59858247-TTCTGTCGTGAACGTTTC-T.
Other names: c.1731_1747del17 (NM_032043.2); short protein forms K578fs.
Identifiers: ClinVar variation 3228092 (VCV003228092.1), dbSNP rs2545028042, ClinGen allele CA2825002576.